The following is an entry in ClinVar:

ClinVar aggregate classification (germline): Likely benign (1 of 4 stars; one submission).

Allele frequency attached by ClinVar (database versions not stated): TOPMed 0.00001; ExAC 0.00002; gnomAD 0.00002; gnomAD exomes 0.00002.
gnomAD v4.1: 39 of 1,613,492 alleles (0.0024%); highest among the groups gnomAD compares: Non-Finnish European, 0.003%; no homozygotes.

Submission:

CeGaT Center for Human Genetics Tuebingen
Classification: Likely benign. Last evaluated: 2022-06-01. Review status: criteria provided, single submitter. Criteria: CeGaT Center For Human Genetics Tuebingen Variant Classification Criteria Version 2. Collection method: clinical testing. Allele origin: germline. Affected: yes. Observed: 1 variant allele.
Comment: EPHB2: BP4, BP7

NM_017449.5(EPHB2):c.780C>T (p.Phe260=)

Gene: EPHB2 (EPH receptor B2; plus strand). Cytogenetic location: 1p36.12.
Variant type: single nucleotide variant.
Coding change: c.780C>T on transcript NM_017449.5 (MANE Select); coding-DNA position 780, C replaced by T.
Protein change: p.Phe260=; no amino-acid change (phenylalanine 260 retained).
Molecular consequence: synonymous variant.
Genome position (GRCh38, 1-based): chr1:22,785,045, C>T. VCF-style: chr1-22785045-C-T. GRCh37 (hg19) VCF-style: chr1-23111538-C-T.
Other names: c.780C>T, p.Phe260= (NM_001309192.2, NM_001309193.2, NM_004442.7).
Identifiers: ClinVar variation 2638471 (VCV002638471.24), dbSNP rs778010315, ClinGen allele CA678441.
Genomic context (GRCh38, chr1:22,785,045, plus strand): 5'-CTGTAACGGGGACGGCGAGTGGCTGGTGCCCATCGGGCGCTGCATGTGCAAAGCAGGCTT[C>T]GAGGCCGTTGAGAATGGCACCGTCTGCCGAGGTAAGGGCCAGGGTGGGGCACGTGCCCCT-3'
Protein context (NP_059145.2, residues 250-270): PIGRCMCKAG[Phe260=]EAVENGTVCR